The following is an entry in ClinVar:

NC_000020.11:g.44355684C>T

Gene: HNF4A (hepatocyte nuclear factor 4 alpha; plus strand). Cytogenetic location: 20q13.12.
Variant type: single nucleotide variant.
Genome position: GRCh38 VCF-style: chr20-44355684-C-T. GRCh37 (hg19) VCF-style: chr20-42984324-C-T.
Identifiers: ClinVar variation 4071500 (VCV004071500.1).

ClinVar aggregate classification (germline): Benign (3 of 4 stars; one submission).

Conditions:
Monogenic diabetes. Identifiers: Orphanet 183625, MedGen C3888631, MONDO:0015967.

Submission:

ClinGen Monogenic Diabetes Variant Curation Expert Panel
Classification: Benign for Monogenic diabetes. Last evaluated: 2025-07-25. Review status: reviewed by expert panel. Criteria: ClinGen Diabetes ACMG Specifications HNF4A V3.0.0. Collection method: curation. Allele origin: germline. Inheritance: Autosomal dominant inheritance.
Comment: The c.-121C>T variant in the hepatocyte nuclear factor 4-alpha gene, HNF4A, is a single nucleotide variant within the 5' UTR of NM_175914.5. This variant has a Grpmax Filtering allele frequency in gnomAD v4.1.0 of 0.0001435, which is greater than the MDEP threshold for BA1 (0.0001) (BA1). In summary, c.-121C>T meets the criteria to be classified as benign for monogenic diabetes. ACMG/AMP criteria applied, as specified by the ClinGen MDEP VCEP (specification version 3.0.0; approved 6/30/2025): BA1.